The following is an entry in ClinVar:

ClinVar aggregate classification (germline): Conflicting classifications of pathogenicity. Review status: criteria provided, conflicting classifications (1 of 4 stars). 3 submissions from 3 submitters: Likely pathogenic (1); Uncertain significance (1). 1 of the submissions does not count toward it. Last evaluated 2024-05-21.

Conditions:
Pulmonary fibrosis. Identifiers: MedGen C0034069, MONDO:0002771, HP:0002206.
Dyskeratosis congenita, autosomal dominant 1 (DKCA1). Also called: Dyskeratosis congenita Scoggins type. Identifiers: Orphanet 1775, MedGen C4551974, MONDO:0007485, OMIM 127550. Inheritance: Variable.
TERC-related disorder. Also called: TERC-related condition.

Submissions (3):

Labcorp Genetics (formerly Invitae), Labcorp
Classification: Uncertain significance for Dyskeratosis congenita, autosomal dominant 1. Last evaluated: 2024-05-21. Review status: criteria provided, single submitter. Criteria: Invitae Variant Classification Sherloc (09022015). Collection method: clinical testing. Allele origin: germline.
Comment: This variant occurs in the TERC gene, which encodes an RNA molecule that does not result in a protein product. This variant is not present in population databases (gnomAD no frequency). This variant has been observed in individual(s) with pulmonary fibrosis (PMID: 28192371). ClinVar contains an entry for this variant (Variation ID: 651706). This variant is located within the template/pseudoknot domain of the TERC RNA component, which is required for RNA or RNP stability (PMID: 15082312, 21844345). In summary, the available evidence is currently insufficient to determine the role of this variant in disease. Therefore, it has been classified as a Variant of Uncertain Significance.

Blueprint Genetics
Classification: Likely pathogenic for TERC-related disorders. Last evaluated: 2021-01-15. Review status: criteria provided, single submitter. Criteria: ACMG Guidelines, 2015. Collection method: clinical testing. Allele origin: germline. Affected: yes. Observed: 1 variant allele.

Garcia Pulmonary Genetics Research Laboratory, Columbia University Irving Medical Center
Classification: Likely risk allele for Pulmonary fibrosis. Last evaluated: 2022-06-09. Review status: no assertion criteria provided. Collection method: research. Allele origin: germline. Affected: yes. Not counted in ClinVar's aggregate classification.
Comment: Leukocyte telomere length (by qPCR) less than 10th percentile age-adjusted

Literature cited by the submitters: PubMed 28192371 (cited by Labcorp Genetics (formerly Invitae), Labcorp); PubMed 15082312 (cited by Labcorp Genetics (formerly Invitae), Labcorp); PubMed 21844345 (cited by Labcorp Genetics (formerly Invitae), Labcorp).

NC_000003.12:g.169764995G>T

Genes: TERC (telomerase RNA component; minus strand), LOC110806306 (telomerase RNA component (TERC) promoter; plus strand). Cytogenetic location: 3q26.2.
Variant type: single nucleotide variant.
Genome position: GRCh38 VCF-style: chr3-169764995-G-T. GRCh37 (hg19) VCF-style: chr3-169482783-G-T.
Identifiers: ClinVar variation 651706 (VCV000651706.35), dbSNP rs1577384356, ClinGen allele CA436715904.
Genomic context (GRCh38, chr3:169,764,995, plus strand): 5'-TCCGCCCGCTGAAAGTCAGCGAGAAAAACAGCGCGCGGGGAGCAAAAGCACGGCGCCTAC[G>T]CCCTTCTCAGTTAGGGTTAGACAAAAAATGGCCACCACCCCTCCCAGGCCCACCCTCCGC-3'